The following is an entry in ClinVar:

NM_002427.4(MMP13):c.1315+414T>A

Gene: MMP13 (matrix metallopeptidase 13; minus strand). Cytogenetic location: 11q22.2.
Variant type: single nucleotide variant.
Coding change: c.1315+414T>A on transcript NM_002427.4 (MANE Select); 414 bases into the intron after coding-DNA position 1315, T replaced by A.
Molecular consequence: intron variant.
Genome position (GRCh38, 1-based): chr11:102,945,232, A>T on the plus strand (T>A on the coding strand, the complement: MMP13 is on the minus strand). VCF-style: chr11-102945232-A-T. GRCh37 (hg19) VCF-style: chr11-102815961-A-T.
Identifiers: ClinVar variation 2642327 (VCV002642327.24), dbSNP rs2496446017, ClinGen allele CA2574961725.

ClinVar aggregate classification (germline): Likely benign (1 of 4 stars; one submission).

Submission:

CeGaT Center for Human Genetics Tuebingen
Classification: Likely benign. Last evaluated: 2023-07-01. Review status: criteria provided, single submitter. Criteria: CeGaT Center For Human Genetics Tuebingen Variant Classification Criteria Version 2. Collection method: clinical testing. Allele origin: germline. Affected: yes. Observed: 1 variant allele.
Comment: MMP13: PM2:Supporting, BP4, BP7